The following is an entry in ClinVar:

ClinVar aggregate classification (germline): Likely benign (1 of 4 stars; one submission).

Allele frequency attached by ClinVar (database versions not stated): gnomAD 0.00015 and 0.00013; TOPMed 0.00021; gnomAD exomes 0.00001.
gnomAD v4.1: 42 of 1,431,702 alleles (0.0029%); highest among the groups gnomAD compares: African/African-American, 0.04%; no homozygotes.

Submission:

GeneDx
Classification: Likely benign. Last evaluated: 2018-02-22. Review status: criteria provided, single submitter. Criteria: GeneDx Variant Classification (06012015). Collection method: clinical testing. Allele origin: germline. Affected: yes.
Comment: This variant is considered likely benign or benign based on one or more of the following criteria: it is a conservative change, it occurs at a poorly conserved position in the protein, it is predicted to be benign by multiple in silico algorithms, and/or has population frequency not consistent with disease.

NM_017882.3(CLN6):c.-37C>T

Gene: CLN6 (CLN6 transmembrane ER protein; minus strand). Cytogenetic location: 15q23.
Variant type: single nucleotide variant.
Coding change: c.-37C>T on transcript NM_017882.3 (MANE Select); 37 bases upstream of the start codon, C replaced by T.
Molecular consequence: 5 prime UTR variant.
Genome position (GRCh38, 1-based): chr15:68,229,621, G>A on the plus strand (C>T on the coding strand, the complement: CLN6 is on the minus strand). VCF-style: chr15-68229621-G-A. GRCh37 (hg19) VCF-style: chr15-68521959-G-A.
Identifiers: ClinVar variation 377693 (VCV000377693.1), dbSNP rs1001908044, ClinGen allele CA16606771.